The following is an entry in ClinVar:

ClinVar aggregate classification (germline): Uncertain significance (1 of 4 stars; one submission).

Conditions:
Frontotemporal dementia and/or amyotrophic lateral sclerosis 1 (FTDALS1). Also called: Frontotemporal dementia with motor neuron disease 1; C9orf72 Frontotemporal Dementia and/or Amyotrophic Lateral Sclerosis. Identifiers: Orphanet 275872, MedGen C5779877, MONDO:0007105, OMIM 105550.
Paget disease of bone 2, early-onset (PDB2). Also called: Paget disease of bone 2. Identifiers: MedGen C4085251, MONDO:0011183, OMIM 602080.

gnomAD v4.1: 1 of 1,613,792 alleles (0.000062%); highest among the groups gnomAD compares: Non-Finnish European, 0.000085%; no homozygotes.

Submission:

Labcorp Genetics (formerly Invitae), Labcorp
Classification: Uncertain significance for Paget disease of bone 2, early-onset; Frontotemporal dementia and/or amyotrophic lateral sclerosis 1. Last evaluated: 2024-05-18. Review status: criteria provided, single submitter. Criteria: Invitae Variant Classification Sherloc (09022015). Collection method: clinical testing. Allele origin: germline.
Comment: This sequence change replaces valine, which is neutral and non-polar, with methionine, which is neutral and non-polar, at codon 122 of the SQSTM1 protein (p.Val122Met). This variant is not present in population databases (gnomAD no frequency). This variant has not been reported in the literature in individuals affected with SQSTM1-related conditions. Advanced modeling of protein sequence and biophysical properties (such as structural, functional, and spatial information, amino acid conservation, physicochemical variation, residue mobility, and thermodynamic stability) has been performed at Invitae for this missense variant, however the output from this modeling did not meet the statistical confidence thresholds required to predict the impact of this variant on SQSTM1 protein function. In summary, the available evidence is currently insufficient to determine the role of this variant in disease. Therefore, it has been classified as a Variant of Uncertain Significance.

NM_003900.5(SQSTM1):c.364G>A (p.Val122Met)

Gene: SQSTM1 (sequestosome 1; plus strand). Cytogenetic location: 5q35.3.
Variant type: single nucleotide variant.
Coding change: c.364G>A on transcript NM_003900.5 (MANE Select); coding-DNA position 364, G replaced by A.
Protein change: p.Val122Met; replaces valine 122 with methionine.
Molecular consequence: missense variant.
Genome position (GRCh38, 1-based): chr5:179,823,920, G>A. VCF-style: chr5-179823920-G-A. GRCh37 (hg19) VCF-style: chr5-179250920-G-A.
Other names: c.112G>A, p.Val38Met (NM_001142298.2, NM_001142299.2); short protein forms V122M, V38M.
Identifiers: ClinVar variation 3752562 (VCV003752562.2).